The following is an entry in ClinVar:

NM_000531.6(OTC):c.241T>C (p.Ser81Pro)

Gene: OTC (ornithine transcarbamylase; plus strand). Cytogenetic location: Xp11.4.
Variant type: single nucleotide variant.
Coding change: c.241T>C on transcript NM_000531.6 (MANE Select); coding-DNA position 241, T replaced by C.
Protein change: p.Ser81Pro; replaces serine 81 with proline.
Molecular consequence: missense variant.
Genome position (GRCh38, 1-based): chrX:38,369,820, T>C. VCF-style: chrX-38369820-T-C. GRCh37 (hg19) VCF-style: chrX-38229073-T-C.
Other names: NM_000531.6(OTC):c.241T>C; p.Ser81Pro; c.241T>C (NM_000531.5); short protein forms S81P.
Identifiers: ClinVar variation 1504390 (VCV001504390.10), dbSNP rs2147324956, ClinGen allele CA412716867.

ClinVar aggregate classification (germline): Likely pathogenic. Review status: reviewed by expert panel (3 of 4 stars). 3 submissions from 3 submitters: Likely pathogenic (1). 2 of the submissions do not count toward it. Last evaluated 2026-05-29.

Conditions:
Ornithine carbamoyltransferase deficiency (OTCD). Also called: ORNITHINE TRANSCARBAMYLASE DEFICIENCY; ORNITHINE TRANSCARBAMYLASE DEFICIENCY, HYPERAMMONEMIA DUE TO; OTC DEFICIENCY; Ornithine Carbamoyltransferase Deficiency Disease. Identifiers: Orphanet 664, MedGen C0268542, MONDO:0010703, OMIM 311250.

Submissions (3):

Clingen Urea Cycle Disorders Variant Curation Expert Panel, ClinGen
Classification: Likely pathogenic for Ornithine carbamoyltransferase deficiency. Last evaluated: 2026-05-29. Review status: reviewed by expert panel. Criteria: ClinGen UreaCycles ACMG Specifications OTC V1.0. Collection method: curation. Allele origin: germline. Inheritance: X-linked inheritance.
Comment: The NM_000531.6(OTC):c.241T>C variant in OTC is a missense variant predicted to cause substitution of serine by proline at amino acid 81 (p.Ser81Pro). This variant is absent in gnomAD v4.1.0 (PM2_Supporting). The computational predictor REVEL gives a score of 0.854, which is between 0.773 and 0.932, and Moderate evidence of impact on OTC/NAGS/CPS1 function (PP3_Moderate). In summary, this variant meets the criteria to be classified as likely pathogenic for OTC deficiency based on the ACMG/AMP criteria applied, as specified by the ClinGen Urea Cycle Disorders Variant Curation Expert Panel (OTC specifications version 1.0.0): PS2, PM2_Supporting, PP3, PP4.

Labcorp Genetics (formerly Invitae), Labcorp
Classification: Pathogenic for Ornithine carbamoyltransferase deficiency. Last evaluated: 2025-09-02. Review status: criteria provided, single submitter. Criteria: Invitae Variant Classification Sherloc (09022015). Collection method: clinical testing. Allele origin: germline. Not counted in ClinVar's aggregate classification.
Comment: This sequence change replaces serine, which is neutral and polar, with proline, which is neutral and non-polar, at codon 81 of the OTC protein (p.Ser81Pro). This variant is not present in population databases (gnomAD no frequency). This missense change has been observed in individual(s) with clinical features of ornithine transcarbamylase (OTC) deficiency (PMID: 32447331, 38802913; internal data). In at least one individual the variant was observed to be de novo. ClinVar contains an entry for this variant (Variation ID: 1504390). Invitae Evidence Modeling of protein sequence and biophysical properties (such as structural, functional, and spatial information, amino acid conservation, physicochemical variation, residue mobility, and thermodynamic stability) indicates that this missense variant is expected to disrupt OTC protein function with a positive predictive value of 95%. For these reasons, this variant has been classified as Pathogenic.

GeneDx
Classification: Likely pathogenic. Last evaluated: 2024-02-13. Review status: criteria provided, single submitter. Criteria: GeneDx Variant Classification Process June 2021. Collection method: clinical testing. Allele origin: germline. Affected: yes. Not counted in ClinVar's aggregate classification.
Comment: In silico analysis supports that this missense variant has a deleterious effect on protein structure/function; Not observed at significant frequency in large population cohorts (gnomAD); This variant is associated with the following publications: (PMID: 32447331)

Literature cited by the submitters: PubMed 32447331 (cited by Labcorp Genetics (formerly Invitae), Labcorp); PubMed 38802913 (cited by Labcorp Genetics (formerly Invitae), Labcorp).